The following is an entry in ClinVar:

ClinVar aggregate classification (germline): Uncertain significance (1 of 4 stars; one submission).

Conditions:
Alstrom syndrome (ALMS). Identifiers: Orphanet 64, MedGen C0268425, MONDO:0008763, OMIM 203800.

Allele frequency attached by ClinVar (database versions not stated): gnomAD exomes below 0.00001; ExAC 0.00001.
gnomAD v4.1: 1 of 1,614,086 alleles (0.000062%); highest among the groups gnomAD compares: Admixed American, 0.0017%; no homozygotes.

Submission:

Labcorp Genetics (formerly Invitae), Labcorp
Classification: Uncertain significance for Alstrom syndrome. Last evaluated: 2023-07-07. Review status: criteria provided, single submitter. Criteria: Invitae Variant Classification Sherloc (09022015). Collection method: clinical testing. Allele origin: germline.
Comment: ClinVar contains an entry for this variant (Variation ID: 2088184). In summary, the available evidence is currently insufficient to determine the role of this variant in disease. Therefore, it has been classified as a Variant of Uncertain Significance. Experimental studies and prediction algorithms are not available or were not evaluated, and the functional significance of this variant is currently unknown. This variant has not been reported in the literature in individuals affected with ALMS1-related conditions. This variant is present in population databases (rs779002116, gnomAD 0.003%). This sequence change replaces aspartic acid, which is acidic and polar, with asparagine, which is neutral and polar, at codon 336 of the ALMS1 protein (p.Asp336Asn).

NM_001378454.1(ALMS1):c.1003G>A (p.Asp335Asn)

Gene: ALMS1 (ALMS1 centrosome and basal body associated protein; plus strand). Cytogenetic location: 2p13.1.
Variant type: single nucleotide variant.
Coding change: c.1003G>A on transcript NM_001378454.1 (MANE Select); coding-DNA position 1003, G replaced by A.
Protein change: p.Asp335Asn; replaces aspartic acid 335 with asparagine.
Molecular consequence: missense variant.
Genome position (GRCh38, 1-based): chr2:73,424,668, G>A. VCF-style: chr2-73424668-G-A. GRCh37 (hg19) VCF-style: chr2-73651796-G-A.
Other names: c.1006G>A, p.Asp336Asn (NM_015120.4); short protein forms D335N, D336N.
Identifiers: ClinVar variation 2088184 (VCV002088184.4), dbSNP rs779002116, ClinGen allele CA1713030.